The following is an entry in ClinVar:

ClinVar aggregate classification (germline): Likely benign. Review status: criteria provided, multiple submitters, no conflicts (2 of 4 stars). 3 submissions from 3 submitters: Likely benign (2). 1 of the submissions does not count toward it. Last evaluated 2025-10-01.

Conditions:
QRICH2-related disorder. Also called: QRICH2-related condition.

Allele frequency attached by ClinVar (database versions not stated): 1000 Genomes Project 30x 0.00172; 1000 Genomes Project 0.00180; gnomAD 0.00364; ExAC 0.00395; TOPMed 0.00404; ESP Exome Variant Server 0.00461; gnomAD exomes 0.00528.
gnomAD v4.1: 8,222 of 1,613,690 alleles (0.51%); highest among the groups gnomAD compares: Non-Finnish European, 0.64%; 28 homozygotes.

Submissions (3):

CeGaT Center for Human Genetics Tuebingen
Classification: Likely benign. Last evaluated: 2025-10-01. Review status: criteria provided, single submitter. Criteria: CeGaT Center For Human Genetics Tuebingen Variant Classification Criteria Version 2. Collection method: clinical testing. Allele origin: germline. Affected: yes. Observed: 4 variant alleles.
Comment: QRICH2: BP4, BS2

Blueprint Genetics
Classification: Likely benign. Last evaluated: 2024-11-21. Review status: criteria provided, single submitter. Criteria: ACMG Guidelines, 2015. Collection method: clinical testing. Allele origin: germline.

PreventionGenetics, part of Exact Sciences
Classification: Likely benign for QRICH2-related condition. Last evaluated: 2019-10-28. Review status: no assertion criteria provided. Collection method: clinical testing. Allele origin: germline. Not counted in ClinVar's aggregate classification.
Comment: This variant is classified as likely benign based on ACMG/AMP sequence variant interpretation guidelines (Richards et al. 2015 PMID: 25741868, with internal and published modifications).

NM_001388453.1(QRICH2):c.4225G>A (p.Val1409Ile)

Gene: QRICH2 (glutamine rich 2; minus strand). Cytogenetic location: 17q25.1.
Variant type: single nucleotide variant.
Coding change: c.4225G>A on transcript NM_001388453.1 (MANE Select); coding-DNA position 4225, G replaced by A.
Protein change: p.Val1409Ile; replaces valine 1409 with isoleucine.
Molecular consequence: missense variant. On other transcripts: non-coding transcript variant (1).
Genome position (GRCh38, 1-based): chr17:76,281,902, C>T on the plus strand (G>A on the coding strand, the complement: QRICH2 is on the minus strand). VCF-style: chr17-76281902-C-T. GRCh37 (hg19) VCF-style: chr17-74277983-C-T.
Other names: c.4225G>A, p.Val1409Ile (NM_032134.3); c.3727G>A (NM_032134.2); short protein forms V1409I.
Identifiers: ClinVar variation 2648306 (VCV002648306.26), dbSNP rs147155048, ClinGen allele CA8783616.